The following is an entry in ClinVar:

ClinVar aggregate classification (germline): Conflicting classifications of pathogenicity. Review status: criteria provided, conflicting classifications (1 of 4 stars). 4 submissions from 4 submitters: Uncertain significance (1); Benign (1); Likely benign (1). 1 of the submissions does not count toward it. Last evaluated 2026-01-05.

Conditions:
NHS-related disorder. Also called: NHS-related condition.
Inborn genetic diseases. Identifiers: MedGen C0950123, MeSH D030342.
Nance-Horan syndrome (NHS). Identifiers: Orphanet 627, MedGen C0796085, MONDO:0010545, OMIM 302350.

Allele frequency attached by ClinVar (database versions not stated): gnomAD exomes 0.00023 and 0.00049; gnomAD 0.00025 and 0.00026; TOPMed 0.00025.
gnomAD v4.1: 251 of 1,067,569 alleles (0.024%); highest among the groups gnomAD compares: Admixed American, 0.081%; no homozygotes.

Submissions (4):

Labcorp Genetics (formerly Invitae), Labcorp
Classification: Benign for Nance-Horan syndrome. Last evaluated: 2026-01-05. Review status: criteria provided, single submitter. Criteria: Invitae Variant Classification Sherloc (09022015). Collection method: clinical testing. Allele origin: germline.

CeGaT Center for Human Genetics Tuebingen
Classification: Likely benign. Last evaluated: 2023-11-01. Review status: criteria provided, single submitter. Criteria: CeGaT Center For Human Genetics Tuebingen Variant Classification Criteria Version 2. Collection method: clinical testing. Allele origin: germline. Affected: yes. Observed: 3 variant alleles.
Comment: NHS: BS2

Ambry Genetics
Classification: Uncertain significance for Inborn genetic diseases. Last evaluated: 2021-07-26. Review status: criteria provided, single submitter. Criteria: Ambry Variant Classification Scheme 2023. Collection method: clinical testing. Allele origin: germline.

PreventionGenetics, part of Exact Sciences
Classification: Likely benign for NHS-related condition. Last evaluated: 2022-02-04. Review status: no assertion criteria provided. Collection method: clinical testing. Allele origin: germline. Not counted in ClinVar's aggregate classification.
Comment: This variant is classified as likely benign based on ACMG/AMP sequence variant interpretation guidelines (Richards et al. 2015 PMID: 25741868, with internal and published modifications).

NM_001291867.2(NHS):c.322G>A (p.Glu108Lys)

Gene: NHS (NHS actin remodeling regulator; plus strand). Cytogenetic location: Xp22.2.
Variant type: single nucleotide variant.
Coding change: c.322G>A on transcript NM_001291867.2 (MANE Select); coding-DNA position 322, G replaced by A.
Protein change: p.Glu108Lys; replaces glutamic acid 108 with lysine.
Molecular consequence: missense variant.
Genome position (GRCh38, 1-based): chrX:17,376,079, G>A. VCF-style: chrX-17376079-G-A. GRCh37 (hg19) VCF-style: chrX-17394202-G-A.
Other names: c.322G>A, p.Glu108Lys (NM_198270.4); c.322G>A (NM_198270.2, NM_198270.3); short protein forms E108K.
Identifiers: ClinVar variation 1165696 (VCV001165696.42), dbSNP rs773995388, ClinGen allele CA10358432.